The following is an entry in ClinVar:

ClinVar aggregate classification (germline): Pathogenic/Likely pathogenic. Review status: criteria provided, multiple submitters, no conflicts (2 of 4 stars). 2 submissions from 2 submitters: Pathogenic (1); Likely pathogenic (1). Last evaluated 2026-08-11.

Conditions:
Rubinstein-Taybi syndrome (RSTS). Identifiers: Orphanet 783, MedGen C0035934, MONDO:0019188.

Submissions (2):

GeneDx
Classification: Likely pathogenic. Last evaluated: 2026-08-11. Review status: criteria provided, single submitter. Criteria: GeneDx Variant Classification Process June 2021. Collection method: clinical testing. Allele origin: germline.
Comment: Identified in patients with clinical features consistent with a CREBBP-related disorder referred for genetic testing at GeneDx and in published literature (PMID: 39958159, 29359884); Not observed at significant frequency in large population cohorts (gnomAD); In silico analysis supports that this missense variant has a deleterious effect on protein structure/function; This variant is associated with the following publications: (PMID: 29262531, 32109418, 29359884, 17942008, 20689175, 39958159, 12070251, 15706485)

Labcorp Genetics (formerly Invitae), Labcorp
Classification: Pathogenic for Rubinstein-Taybi syndrome. Last evaluated: 2025-10-01. Review status: criteria provided, single submitter. Criteria: Invitae Variant Classification Sherloc (09022015). Collection method: clinical testing. Allele origin: germline.
Comment: This sequence change replaces threonine, which is neutral and polar, with isoleucine, which is neutral and non-polar, at codon 1447 of the CREBBP protein (p.Thr1447Ile). This variant is not present in population databases (gnomAD no frequency). This missense change has been observed in individual(s) with clinical features of Rubinstein-Taybi syndrome (PMID: 15706485; internal data). In at least one individual the variant was observed to be de novo. ClinVar contains an entry for this variant (Variation ID: 1201902). Invitae Evidence Modeling of protein sequence and biophysical properties (such as structural, functional, and spatial information, amino acid conservation, physicochemical variation, residue mobility, and thermodynamic stability) indicates that this missense variant is expected to disrupt CREBBP protein function with a positive predictive value of 95%. For these reasons, this variant has been classified as Pathogenic.

Literature cited by the submitters: PubMed 15706485 (cited by Labcorp Genetics (formerly Invitae), Labcorp).

NM_004380.3(CREBBP):c.4340C>T (p.Thr1447Ile)

Gene: CREBBP (CREB binding lysine acetyltransferase; minus strand). Cytogenetic location: 16p13.3.
Variant type: single nucleotide variant.
Coding change: c.4340C>T on transcript NM_004380.3 (MANE Select); coding-DNA position 4340, C replaced by T.
Protein change: p.Thr1447Ile; replaces threonine 1447 with isoleucine.
Molecular consequence: missense variant.
Genome position (GRCh38, 1-based): chr16:3,738,613, G>A on the plus strand (C>T on the coding strand, the complement: CREBBP is on the minus strand). VCF-style: chr16-3738613-G-A. GRCh37 (hg19) VCF-style: chr16-3788614-G-A.
Other names: c.4226C>T, p.Thr1409Ile (NM_001079846.1); short protein forms T1409I, T1447I.
Identifiers: ClinVar variation 1201902 (VCV001201902.10), dbSNP rs2151334254, ClinGen allele CA394564418.